The following is an entry in ClinVar:

ClinVar aggregate classification (germline): Benign/Likely benign. Review status: criteria provided, multiple submitters, no conflicts (2 of 4 stars). 3 submissions from 3 submitters: Benign (1); Likely benign (2). Last evaluated 2025-02-09.

Conditions:
Lynch syndrome 5 (LYNCH5). Also called: Colorectal cancer, hereditary nonpolyposis, type 5; Hereditary non-polyposis colorectal cancer, type 5. Identifiers: Orphanet 144, MedGen C1833477, MONDO:0013710, OMIM 614350. Disease mechanism: loss of function.
Hereditary cancer-predisposing syndrome. Also called: Hereditary neoplastic syndrome; Hereditary Cancer Syndrome; Neoplastic Syndromes, Hereditary; Tumor predisposition. Identifiers: Orphanet 140162, MedGen C0027672, MeSH D009386, MONDO:0015356.

Submissions (3):

Ambry Genetics
Classification: Likely benign for Hereditary cancer-predisposing syndrome. Last evaluated: 2025-02-09. Review status: criteria provided, single submitter. Criteria: Ambry Variant Classification Scheme 2023. Collection method: clinical testing. Allele origin: germline.

Myriad Genetics, Inc.
Classification: Benign for Lynch syndrome 5. Last evaluated: 2024-12-30. Review status: criteria provided, single submitter. Criteria: Myriad Autosomal Dominant, Autosomal Recessive and X-Linked Classification Criteria (2023). Collection method: clinical testing. Allele origin: unknown.
Comment: This variant is considered benign. This variant is a silent/synonymous amino acid change and it is not expected to impact splicing.

Color Diagnostics, LLC DBA Color Health
Classification: Likely benign for Hereditary cancer-predisposing syndrome. Last evaluated: 2022-09-19. Review status: criteria provided, single submitter. Criteria: ACMG Guidelines, 2015. Collection method: clinical testing. Allele origin: germline.

NM_000179.3(MSH6):c.1863G>A (p.Leu621=)

Gene: MSH6 (mutS homolog 6; plus strand). Cytogenetic location: 2p16.3.
Variant type: single nucleotide variant.
Coding change: c.1863G>A on transcript NM_000179.3 (MANE Select); coding-DNA position 1863, G replaced by A.
Protein change: p.Leu621=; no amino-acid change (leucine 621 retained).
Molecular consequence: synonymous variant. On other transcripts: non-coding transcript variant (5), intron variant (2).
Genome position (GRCh38, 1-based): chr2:47,799,846, G>A. VCF-style: chr2-47799846-G-A. GRCh37 (hg19) VCF-style: chr2-48026985-G-A.
Other names: c.1473G>A, p.Leu491= (NM_001281492.2); c.957G>A, p.Leu319= (NM_001281493.2, NM_001281494.2, NM_001406811.1 and 6 more transcripts); c.1959G>A, p.Leu653= (NM_001406795.1, NM_001406802.1); c.1863G>A, p.Leu621= (NM_001406796.1, NM_001406798.1, NM_001406800.1 and 3 more transcripts); c.1566G>A, p.Leu522= (NM_001406797.1, NM_001406801.1, NM_001406805.1 and 10 more transcripts); c.1338G>A, p.Leu446= (NM_001406799.1, NM_001406806.1, NM_001406807.1); c.1785G>A, p.Leu595= (NM_001406804.1); c.1869G>A, p.Leu623= (NM_001406813.1); and 3 more.
Identifiers: ClinVar variation 2773643 (VCV002773643.4), dbSNP rs1350237862, ClinGen allele CA426121265.